The following is an entry in ClinVar:

NM_002470.4(MYH3):c.2538T>A (p.Thr846=)

Gene: MYH3 (myosin heavy chain 3; minus strand). Cytogenetic location: 17p13.1.
Variant type: single nucleotide variant.
Coding change: c.2538T>A on transcript NM_002470.4 (MANE Select); coding-DNA position 2538, T replaced by A.
Protein change: p.Thr846=; no amino-acid change (threonine 846 retained).
Molecular consequence: synonymous variant.
Genome position (GRCh38, 1-based): chr17:10,640,140, A>T on the plus strand (T>A on the coding strand, the complement: MYH3 is on the minus strand). VCF-style: chr17-10640140-A-T. GRCh37 (hg19) VCF-style: chr17-10543457-A-T.
Identifiers: ClinVar variation 706411 (VCV000706411.14), dbSNP rs150248606, ClinGen allele CA8392745.

ClinVar aggregate classification (germline): Likely benign. Review status: criteria provided, multiple submitters, no conflicts (2 of 4 stars). 3 submissions from 3 submitters: Likely benign (3). Last evaluated 2026-02-01.

Allele frequency attached by ClinVar (database versions not stated): ESP Exome Variant Server 0.00008; gnomAD 0.00019 and 0.00021; gnomAD exomes 0.00021 and 0.00029; TOPMed 0.00022; ExAC 0.00023.
gnomAD v4.1: 456 of 1,613,972 alleles (0.028%); highest among the groups gnomAD compares: Non-Finnish European, 0.036%; no homozygotes.

Submissions (3):

Labcorp Genetics (formerly Invitae), Labcorp
Classification: Likely benign. Last evaluated: 2026-02-01. Review status: criteria provided, single submitter. Criteria: Invitae Variant Classification Sherloc (09022015). Collection method: clinical testing. Allele origin: germline.

CeGaT Center for Human Genetics Tuebingen
Classification: Likely benign. Last evaluated: 2025-12-01. Review status: criteria provided, single submitter. Criteria: CeGaT Center For Human Genetics Tuebingen Variant Classification Criteria Version 2. Collection method: clinical testing. Allele origin: germline. Affected: yes. Observed: 1 variant allele.
Comment: MYH3: BP4, BP7

Blueprint Genetics
Classification: Likely benign. Last evaluated: 2024-09-25. Review status: criteria provided, single submitter. Criteria: ACMG Guidelines, 2015. Collection method: clinical testing. Allele origin: germline.